The following is an entry in ClinVar:

ClinVar aggregate classification (germline): Pathogenic. Review status: criteria provided, multiple submitters, no conflicts (2 of 4 stars). 2 submissions from 2 submitters: Pathogenic (2). Last evaluated 2026-01-26.

Conditions:
Usher syndrome. Also called: Usher Syndromes; Usher's syndrome. Identifiers: Orphanet 886, MedGen CN469326, MeSH D052245, MONDO:0019501. Disease mechanism: loss of function.

Submissions (2):

Women's Health and Genetics/Laboratory Corporation of America, LabCorp
Classification: Pathogenic for Usher syndrome. Last evaluated: 2026-01-26. Review status: criteria provided, single submitter. Criteria: LabCorp Variant Classification Summary - May 2015. Collection method: clinical testing. Allele origin: germline.
Comment: Variant summary: CDH23 c.7086C>G (p.Tyr2362X) results in a premature termination codon, predicted to cause a truncation of the encoded protein or absence of the protein due to nonsense mediated decay, which are commonly known mechanisms for disease. The variant was absent in 249086 control chromosomes. To our knowledge, no occurrence of c.7086C>G in individuals affected with CDH23-related conditions and no experimental evidence demonstrating its impact on protein function have been reported. No submitters have cited clinical-significance assessments for this variant to ClinVar. Based on the evidence outlined above, the variant was classified as pathogenic.

Labcorp Genetics (formerly Invitae), Labcorp
Classification: Pathogenic. Last evaluated: 2025-12-24. Review status: criteria provided, single submitter. Criteria: Invitae Variant Classification Sherloc (09022015). Collection method: clinical testing. Allele origin: germline.
Comment: This sequence change creates a premature translational stop signal (p.Tyr2362*) in the CDH23 gene. It is expected to result in an absent or disrupted protein product. Loss-of-function variants in CDH23 are known to be pathogenic (PMID: 11138009, 21940737). This variant is not present in population databases (gnomAD no frequency). This variant has not been reported in the literature in individuals affected with CDH23-related conditions. Algorithms developed to predict the effect of sequence changes on RNA splicing suggest that this variant may disrupt the consensus splice site. For these reasons, this variant has been classified as Pathogenic.

Literature cited by the submitters: PubMed 11138009 (cited by Labcorp Genetics (formerly Invitae), Labcorp); PubMed 21940737 (cited by Labcorp Genetics (formerly Invitae), Labcorp).

NM_022124.6(CDH23):c.7086C>G (p.Tyr2362Ter)

Gene: CDH23 (cadherin related 23; plus strand). Cytogenetic location: 10q22.1.
Variant type: single nucleotide variant.
Coding change: c.7086C>G on transcript NM_022124.6 (MANE Select); coding-DNA position 7086, C replaced by G.
Protein change: p.Tyr2362Ter; replaces tyrosine 2362 with a stop codon.
Molecular consequence: nonsense.
Genome position (GRCh38, 1-based): chr10:71,799,142, C>G. VCF-style: chr10-71799142-C-G. GRCh37 (hg19) VCF-style: chr10-73558899-C-G.
Other names: c.366C>G, p.Tyr122Ter (NM_001171933.1, NM_001171934.1); short protein forms Y122*, Y2362*.
Identifiers: ClinVar variation 4689732 (VCV004689732.2).